The following is an entry in ClinVar:

NM_004758.4(TSPOAP1):c.5134_5141dup (p.Glu1715fs)

Gene: TSPOAP1 (TSPO associated protein 1; minus strand). Cytogenetic location: 17q22.
Variant type: Duplication.
Coding change: c.5134_5141dup on transcript NM_004758.4 (MANE Select); coding-DNA positions 5134 to 5141, 8 bases duplicated (ATTCTCCT; older notation c.5134_5141dupATTCTCCT).
Protein change: p.Glu1715fs; shifts the reading frame from glutamic acid 1715.
Molecular consequence: frameshift variant.
Genome position (GRCh38, 1-based): chr17:58,306,811-58,306,818, AGGAGAAT duplicated on the plus strand (ATTCTCCT on the coding strand, the reverse complement: TSPOAP1 is on the minus strand); duplicating any 8 consecutive bases within chr17:58,306,811-58,306,819 gives the same sequence; the c. name uses the placement nearest the transcript's 3' end. VCF-style (leftmost placement, unchanged base first): chr17-58306810-A-AAGGAGAAT. GRCh37 (hg19) VCF-style: chr17-56384171-A-AAGGAGAAT.
Other names: c.5134_5141dup, p.Glu1715fs (NM_001261835.2); c.4954_4961dup, p.Glu1655fs (NM_024418.3); c.5134_5141dupATTCTCCT (NM_004758.4); short protein forms E1655fs, E1715fs.
Identifiers: ClinVar variation 4849373 (VCV004849373.1).
Genomic context (GRCh38, chr17:58,306,810, plus strand): 5'-GTTGGAAGGGGGCTGGTGGGAGGTGGGTGAGGGACAGCAGCAGGTCATACCTGAGCCCTC[A>AAGGAGAAT]AGGAGAATATCTGGGGACAAATAACCCCGCTGGAGCAGTTGCTGTCTCCCAGCAGGGCTG-3'

ClinVar aggregate classification (germline): Likely pathogenic (1 of 4 stars; one submission).

Conditions:
Dystonia 22, adult-onset (DYT22AO). Identifiers: MedGen C5830658, MONDO:0957542, OMIM 620456.
Dystonia 22, juvenile-onset (DYT22JO). Identifiers: MedGen C5830645, MONDO:0957539, OMIM 620453.

Submission:

First Genomix Gene Laboratory, Genetic Diagnostics Department
Classification: Likely pathogenic for Dystonia 22, adult-onset; Dystonia 22, juvenile-onset. Last evaluated: 2025-07-14. Review status: criteria provided, single submitter. Criteria: ACMG Guidelines, 2015. Collection method: clinical testing. Allele origin: germline. Inheritance: Autosomal recessive inheritance. Affected: no. Observed: 1 variant allele.